The following is an entry in ClinVar:

ClinVar aggregate classification (germline): Uncertain significance (1 of 4 stars; one submission).

Conditions:
Heterotaxy, visceral, 1, X-linked (HTX1). Also called: DEXTROCARDIA WITH OTHER CARDIAC MALFORMATIONS; Laterality, X-linked; Visceral heterotaxia; SITUS INVERSUS, COMPLEX CARDIAC DEFECTS, AND SPLENIC DEFECTS, X-LINKED. Identifiers: Orphanet 450, MedGen C1844020, MONDO:0010607, OMIM 306955.

Submission:

Labcorp Genetics (formerly Invitae), Labcorp
Classification: Uncertain significance for Heterotaxy, visceral, 1, X-linked. Last evaluated: 2015-11-26. Review status: criteria provided, single submitter. Criteria: Invitae Variant Classification Sherloc (09022015). Collection method: clinical testing. Allele origin: germline.
Comment: A gross duplication of the genomic region encompassing the full coding sequence of the ZIC3 gene has been identified. This variant has not been reported in the literature. In summary, this is a whole gene duplication with uncertain impact on protein function. It has been classified as a Variant of Uncertain Significance.

NM_003413.3(ZIC3):c.-505-?_*2030+?dup

Gene: ZIC3 (Zic family zinc finger 3; plus strand).
Variant type: Duplication.
Coding change: c.-505-?_*2030+?dup on transcript NM_003413.3.
Identifiers: ClinVar variation 239538 (VCV000239538.1).